The following is an entry in ClinVar:

NM_001372.4(DNAH9):c.12844-9T>C

Gene: DNAH9 (dynein axonemal heavy chain 9; plus strand). Cytogenetic location: 17p12.
Variant type: single nucleotide variant.
Coding change: c.12844-9T>C on transcript NM_001372.4 (MANE Select); 9 bases into the intron before coding-DNA position 12844, T replaced by C.
Molecular consequence: intron variant.
Genome position (GRCh38, 1-based): chr17:11,961,858, T>C. VCF-style: chr17-11961858-T-C. GRCh37 (hg19) VCF-style: chr17-11865175-T-C.
Other names: c.1780-9T>C (NM_004662.2); c.12844-9T>C (NM_001372.3).
Identifiers: ClinVar variation 2083610 (VCV002083610.7), dbSNP rs867382946, ClinGen allele CA287979053.

ClinVar aggregate classification (germline): Likely benign. Review status: criteria provided, multiple submitters, no conflicts (2 of 4 stars). 3 submissions from 3 submitters: Likely benign (2). 1 of the submissions does not count toward it. Last evaluated 2025-08-10.

Conditions:
DNAH9-related disorder. Also called: DNAH9-related condition.

Allele frequency attached by ClinVar (database versions not stated): gnomAD 0.00001; gnomAD exomes 0.00001; TOPMed 0.00002.
gnomAD v4.1: 16 of 1,586,858 alleles (0.001%); highest among the groups gnomAD compares: Middle Eastern, 0.1%; no homozygotes.

Submissions (3):

Labcorp Genetics (formerly Invitae), Labcorp
Classification: Likely benign. Last evaluated: 2025-08-10. Review status: criteria provided, single submitter. Criteria: Invitae Variant Classification Sherloc (09022015). Collection method: clinical testing. Allele origin: germline.

Blueprint Genetics
Classification: Likely benign. Last evaluated: 2024-08-09. Review status: criteria provided, single submitter. Criteria: ACMG Guidelines, 2015. Collection method: clinical testing. Allele origin: germline.

PreventionGenetics, part of Exact Sciences
Classification: Likely benign for DNAH9-related condition. Last evaluated: 2024-02-26. Review status: no assertion criteria provided. Collection method: clinical testing. Allele origin: germline. Not counted in ClinVar's aggregate classification.
Comment: This variant is classified as likely benign based on ACMG/AMP sequence variant interpretation guidelines (Richards et al. 2015 PMID: 25741868, with internal and published modifications).